The following is an entry in ClinVar:

NM_000548.5(TSC2):c.1260G>A (p.Glu420=)

Gene: TSC2 (TSC complex subunit 2; plus strand). Cytogenetic location: 16p13.3.
Variant type: single nucleotide variant.
Coding change: c.1260G>A on transcript NM_000548.5 (MANE Select); coding-DNA position 1260, G replaced by A.
Protein change: p.Glu420=; no amino-acid change (glutamic acid 420 retained).
Molecular consequence: synonymous variant.
Genome position (GRCh38, 1-based): chr16:2,062,499, G>A. VCF-style: chr16-2062499-G-A. GRCh37 (hg19) VCF-style: chr16-2112500-G-A.
Other names: c.1260G>A, p.Glu420= (NM_001077183.3, NM_001114382.3, NM_001363528.2 and 3 more transcripts); c.1149G>A, p.Glu383= (NM_001318827.2); c.1113G>A, p.Glu371= (NM_001318829.2); c.660G>A, p.Glu220= (NM_001318831.2); c.1293G>A, p.Glu431= (NM_001318832.2).
Identifiers: ClinVar variation 486686 (VCV000486686.21), dbSNP rs876658585, ClinGen allele CA492962334.

ClinVar aggregate classification (germline): Benign/Likely benign. Review status: criteria provided, multiple submitters, no conflicts (2 of 4 stars). 6 submissions from 6 submitters: Benign (2); Likely benign (4). Last evaluated 2025-05-20.

Conditions:
Hereditary cancer-predisposing syndrome. Also called: Tumor predisposition; Neoplastic Syndromes, Hereditary; Hereditary Cancer Syndrome; Hereditary neoplastic syndrome. Identifiers: Orphanet 140162, MedGen C0027672, MeSH D009386, MONDO:0015356.
Tuberous sclerosis syndrome (TSC). Also called: Tuberous Sclerosis Complex; Tuberous sclerosis. Identifiers: Orphanet 805, MedGen C0041341, MONDO:0001734.
Tuberous sclerosis 2 (TSC2). Identifiers: Orphanet 805, MedGen C1860707, MONDO:0013199, OMIM 613254.

Submissions (6):

Color Diagnostics, LLC DBA Color Health
Classification: Likely benign for Tuberous sclerosis syndrome. Last evaluated: 2025-05-20. Review status: criteria provided, single submitter. Criteria: ACMG Guidelines, 2015. Collection method: clinical testing. Allele origin: germline.

Myriad Genetics, Inc.
Classification: Benign for Tuberous sclerosis 2. Last evaluated: 2025-05-13. Review status: criteria provided, single submitter. Criteria: Myriad Autosomal Dominant, Autosomal Recessive and X-Linked Classification Criteria (2023). Collection method: clinical testing. Allele origin: unknown.
Comment: This variant is considered benign. This variant is a silent/synonymous amino acid change and it is not expected to impact splicing.

Labcorp Genetics (formerly Invitae), Labcorp
Classification: Likely benign for Tuberous sclerosis 2. Last evaluated: 2025-01-30. Review status: criteria provided, single submitter. Criteria: Invitae Variant Classification Sherloc (09022015). Collection method: clinical testing. Allele origin: germline.

Genome-Nilou Lab
Classification: Benign for Tuberous sclerosis 2. Last evaluated: 2021-11-07. Review status: criteria provided, single submitter. Criteria: ACMG Guidelines, 2015. Collection method: clinical testing. Allele origin: germline. Affected: no.

GeneDx
Classification: Likely benign. Last evaluated: 2021-05-28. Review status: criteria provided, single submitter. Criteria: GeneDx Variant Classification Process June 2021. Collection method: clinical testing. Allele origin: germline. Affected: yes.
Comment: This variant is associated with the following publications: (PMID: 27535533)

Ambry Genetics
Classification: Likely benign for Hereditary cancer-predisposing syndrome. Last evaluated: 2016-12-14. Review status: criteria provided, single submitter. Criteria: Ambry Variant Classification Scheme 2023. Collection method: clinical testing. Allele origin: germline.